The following is an entry in ClinVar:

ClinVar aggregate classification (germline): Likely benign (1 of 4 stars; one submission).

gnomAD v4.1: 382 of 1,609,158 alleles (0.024%); highest among the groups gnomAD compares: African/African-American, 0.41%; 1 homozygote.

Submission:

CeGaT Center for Human Genetics Tuebingen
Classification: Likely benign. Last evaluated: 2025-11-01. Review status: criteria provided, single submitter. Criteria: CeGaT Center For Human Genetics Tuebingen Variant Classification Criteria Version 2. Collection method: clinical testing. Allele origin: germline. Affected: yes. Observed: 1 variant allele.
Comment: SELENOI: BP4, BP7

NM_033505.4(SELENOI):c.321C>T (p.Asp107=)

Gene: SELENOI (selenoprotein I; plus strand). Cytogenetic location: 2p23.3.
Variant type: single nucleotide variant.
Coding change: c.321C>T on transcript NM_033505.4 (MANE Select); coding-DNA position 321, C replaced by T.
Protein change: p.Asp107=; no amino-acid change (aspartic acid 107 retained).
Molecular consequence: synonymous variant. On other transcripts: non-coding transcript variant (1).
Genome position (GRCh38, 1-based): chr2:26,373,377, C>T. VCF-style: chr2-26373377-C-T. GRCh37 (hg19) VCF-style: chr2-26596245-C-T.
Identifiers: ClinVar variation 4681433 (VCV004681433.5).